The following is an entry in ClinVar:

ClinVar aggregate classification (germline): Likely benign. Review status: criteria provided, multiple submitters, no conflicts (2 of 4 stars). 4 submissions from 4 submitters: Likely benign (3). 1 of the submissions does not count toward it. Last evaluated 2025-12-15.

Conditions:
MERTK-related disorder. Also called: MERTK-related condition.

Allele frequency attached by ClinVar (database versions not stated): TOPMed 0.00068; gnomAD exomes 0.00006 and 0.00014; ExAC 0.00017; ESP Exome Variant Server 0.00038; gnomAD 0.00058 and 0.00064.
gnomAD v4.1: 175 of 1,614,048 alleles (0.011%); highest among the groups gnomAD compares: African/African-American, 0.19%; 1 homozygote.

Submissions (4):

Labcorp Genetics (formerly Invitae), Labcorp
Classification: Likely benign. Last evaluated: 2025-12-15. Review status: criteria provided, single submitter. Criteria: Invitae Variant Classification Sherloc (09022015). Collection method: clinical testing. Allele origin: germline.

Blueprint Genetics
Classification: Likely benign. Last evaluated: 2022-06-30. Review status: criteria provided, single submitter. Criteria: ACMG Guidelines, 2015. Collection method: clinical testing. Allele origin: germline.

Breakthrough Genomics
Classification: Likely benign. Review status: criteria provided, single submitter. Criteria: ACMG Guidelines, 2015. Collection method: not provided. Allele origin: germline. Inheritance: Autosomal recessive inheritance. Affected: yes.

PreventionGenetics, part of Exact Sciences
Classification: Likely benign for MERTK-related condition. Last evaluated: 2019-10-31. Review status: no assertion criteria provided. Collection method: clinical testing. Allele origin: germline. Not counted in ClinVar's aggregate classification.
Comment: This variant is classified as likely benign based on ACMG/AMP sequence variant interpretation guidelines (Richards et al. 2015 PMID: 25741868, with internal and published modifications).

NM_006343.3(MERTK):c.2769A>G (p.Lys923=)

Gene: MERTK (MER proto-oncogene, tyrosine kinase; plus strand). Cytogenetic location: 2q13.
Variant type: single nucleotide variant.
Coding change: c.2769A>G on transcript NM_006343.3 (MANE Select); coding-DNA position 2769, A replaced by G.
Protein change: p.Lys923=; no amino-acid change (lysine 923 retained).
Molecular consequence: synonymous variant.
Genome position (GRCh38, 1-based): chr2:112,028,633, A>G. VCF-style: chr2-112028633-A-G. GRCh37 (hg19) VCF-style: chr2-112786210-A-G.
Identifiers: ClinVar variation 773844 (VCV000773844.14), dbSNP rs148056914, ClinGen allele CA1831968.